The following is an entry in ClinVar:

NM_001290043.2(TAP2):c.29C>G (p.Thr10Ser)

Gene: TAP2 (transporter 2, ATP binding cassette subfamily B member; minus strand). Cytogenetic location: 6p21.32.
Variant type: single nucleotide variant.
Coding change: c.29C>G on transcript NM_001290043.2 (MANE Select); coding-DNA position 29, C replaced by G.
Protein change: p.Thr10Ser; replaces threonine 10 with serine.
Molecular consequence: missense variant.
Genome position (GRCh38, 1-based): chr6:32,838,205, G>C on the plus strand (C>G on the coding strand, the complement: TAP2 is on the minus strand). VCF-style: chr6-32838205-G-C. GRCh37 (hg19) VCF-style: chr6-32805982-G-C.
Other names: c.29C>G, p.Thr10Ser (NM_000544.3, NM_018833.3); short protein forms T10S.
Identifiers: ClinVar variation 1394255 (VCV001394255.4), dbSNP rs770278478, ClinGen allele CA3746240.
Genomic context (GRCh38, chr6:32,838,205, plus strand): 5'-AAAGTCCCCAGAGGGCCCTGAAGCAGCCACAGTAAAGCCGCGTCCACCAGCAGCAGGGAG[G>C]TCCAGGGTCTCAGGTCAGGGAGCCGCATGGCTCTGTCAACGGATACGAGATGAGAAATCA-3'
Protein context (NP_001276972.1, residues 1-20): MRLPDLRPW[Thr10Ser]SLLLVDAALL

ClinVar aggregate classification (germline): Uncertain significance. Review status: criteria provided, multiple submitters, no conflicts (2 of 4 stars). 2 submissions from 2 submitters: Uncertain significance (2). Last evaluated 2025-09-01.

Conditions:
MHC class I deficiency. Identifiers: Orphanet 34592, MedGen C6024714, MONDO:0011476.
Inborn genetic diseases. Identifiers: MedGen C0950123, MeSH D030342.

Allele frequency attached by ClinVar (database versions not stated): gnomAD 0.00001; gnomAD exomes 0.00001; ExAC 0.00001.
gnomAD v4.1: 23 of 1,587,120 alleles (0.0014%); highest among the groups gnomAD compares: Non-Finnish European, 0.002%; no homozygotes.

Submissions (2):

Ambry Genetics
Classification: Uncertain significance for Inborn genetic diseases. Last evaluated: 2025-09-01. Review status: criteria provided, single submitter. Criteria: Ambry Variant Classification Scheme 2023. Collection method: clinical testing. Allele origin: germline.

Labcorp Genetics (formerly Invitae), Labcorp
Classification: Uncertain significance for MHC class I deficiency 1. Last evaluated: 2022-10-05. Review status: criteria provided, single submitter. Criteria: Invitae Variant Classification Sherloc (09022015). Collection method: clinical testing. Allele origin: germline.
Comment: This sequence change replaces threonine, which is neutral and polar, with serine, which is neutral and polar, at codon 10 of the TAP2 protein (p.Thr10Ser). This variant is present in population databases (rs770278478, gnomAD 0.002%). This variant has not been reported in the literature in individuals affected with TAP2-related conditions. ClinVar contains an entry for this variant (Variation ID: 1394255). Algorithms developed to predict the effect of missense changes on protein structure and function are either unavailable or do not agree on the potential impact of this missense change (SIFT: "Tolerated"; PolyPhen-2: "Not Available"; Align-GVGD: "Class C0"). In summary, the available evidence is currently insufficient to determine the role of this variant in disease. Therefore, it has been classified as a Variant of Uncertain Significance.